The following is an entry in ClinVar:

NM_001242896.3(DEPDC5):c.455T>C (p.Met152Thr)

Gene: DEPDC5 (DEP domain containing 5, GATOR1 subcomplex subunit; plus strand). Cytogenetic location: 22q12.2.
Variant type: single nucleotide variant.
Coding change: c.455T>C on transcript NM_001242896.3 (MANE Select); coding-DNA position 455, T replaced by C.
Protein change: p.Met152Thr; replaces methionine 152 with threonine.
Molecular consequence: missense variant. On other transcripts: non-coding transcript variant (5).
Genome position (GRCh38, 1-based): chr22:31,778,140, T>C. VCF-style: chr22-31778140-T-C. GRCh37 (hg19) VCF-style: chr22-32174126-T-C.
Other names: c.455T>C, p.Met152Thr (NM_001007188.4, NM_001136029.4, NM_001242897.2 and 7 more transcripts); c.371T>C, p.Met124Thr (NM_001369901.1, NM_001369902.1); short protein forms M124T, M152T.
Identifiers: ClinVar variation 4811569 (VCV004811569.1).
Genomic context (GRCh38, chr22:31,778,140, plus strand): 5'-TGTGTGTGTATTCTTTCAGAGCACAGGCTGGTGAACTGTGGGTTAAGAATGAGAAGGTCA[T>C]GTGTGGCTACATCAGTGAAGATACCAGGGTAAGATTTATAAAATGCTTTTTTGGTTTTAT-3'
Protein context (NP_001229825.1, residues 142-162): GELWVKNEKV[Met152Thr]CGYISEDTRV

ClinVar aggregate classification (germline): Uncertain significance (1 of 4 stars; one submission).

Conditions:
Familial focal epilepsy with variable foci (FPEVF). Identifiers: Orphanet 98820, MedGen C1858477, MONDO:0020310.

Submission:

Labcorp Genetics (formerly Invitae), Labcorp
Classification: Uncertain significance for Familial focal epilepsy with variable foci. Last evaluated: 2025-04-17. Review status: criteria provided, single submitter. Criteria: Invitae Variant Classification Sherloc (09022015). Collection method: clinical testing. Allele origin: germline.
Comment: This sequence change replaces methionine, which is neutral and non-polar, with threonine, which is neutral and polar, at codon 152 of the DEPDC5 protein (p.Met152Thr). This variant is not present in population databases (gnomAD no frequency). This variant has not been reported in the literature in individuals affected with DEPDC5-related conditions. Experimental studies and prediction algorithms are not available or were not evaluated, and the functional significance of this variant is currently unknown. In summary, the available evidence is currently insufficient to determine the role of this variant in disease. Therefore, it has been classified as a Variant of Uncertain Significance.